The following is an entry in ClinVar:

ClinVar aggregate classification (germline): Uncertain significance. Review status: criteria provided, multiple submitters, no conflicts (2 of 4 stars). 2 submissions from 2 submitters: Uncertain significance (2). Last evaluated 2026-07-28.

Conditions:
PRPH2-related disorder. Also called: PRPH2-related disorders; PRPH2-related condition. Identifiers: MedGen CN239395.
Retinal disorder. Also called: Retinal disorders; Retinopathy; Retinopathies; Retinal Diseases. Identifiers: MedGen C0035309, MONDO:0005283, HP:0000488.

Submissions (2):

Genetics Laboratory, Great Ormond Street Hospital NHS Foundation Trust, North Thames Genomic Laboratory Hub
Classification: Uncertain significance for Retinal disorders. Last evaluated: 2026-07-28. Review status: criteria provided, single submitter. Criteria: ACGS Best Practice Guidelines for Variant Classification in Rare Disease 2024 v1.2. Collection method: clinical testing. Allele origin: germline. Affected: yes.
Comment: PM2_moderate, PP3_supporting, PS1_moderate

Labcorp Genetics (formerly Invitae), Labcorp
Classification: Uncertain significance for PRPH2-related disorder. Last evaluated: 2021-04-14. Review status: criteria provided, single submitter. Criteria: Invitae Variant Classification Sherloc (09022015). Collection method: clinical testing. Allele origin: germline.
Comment: In summary, the available evidence is currently insufficient to determine the role of this variant in disease. Therefore, it has been classified as a Variant of Uncertain Significance. Nucleotide substitutions within the consensus splice site are a relatively common cause of aberrant splicing (PMID: 17576681, 9536098). Algorithms developed to predict the effect of sequence changes on RNA splicing suggest that this variant may disrupt the consensus splice site, but this prediction has not been confirmed by published transcriptional studies. This variant has not been reported in the literature in individuals with PRPH2-related conditions. This variant is not present in population databases (ExAC no frequency). This sequence change falls in intron 1 of the PRPH2 gene. It does not directly change the encoded amino acid sequence of the PRPH2 protein. It affects a nucleotide within the consensus splice site of the intron.

Literature cited by the submitters: PubMed 17576681 (cited by Labcorp Genetics (formerly Invitae), Labcorp); PubMed 9536098 (cited by Labcorp Genetics (formerly Invitae), Labcorp).

NM_000322.5(PRPH2):c.581+5G>T

Gene: PRPH2 (peripherin 2; minus strand). Cytogenetic location: 6p21.1.
Variant type: single nucleotide variant.
Coding change: c.581+5G>T on transcript NM_000322.5 (MANE Select); 5 bases into the intron after coding-DNA position 581, G replaced by T.
Molecular consequence: intron variant.
Genome position (GRCh38, 1-based): chr6:42,721,749, C>A on the plus strand (G>T on the coding strand, the complement: PRPH2 is on the minus strand). VCF-style: chr6-42721749-C-A. GRCh37 (hg19) VCF-style: chr6-42689487-C-A.
Identifiers: ClinVar variation 1345163 (VCV001345163.7), dbSNP rs2152010844, ClinGen allele CA2573140732.